The following is an entry in ClinVar:

ClinVar aggregate classification (germline): Uncertain significance. Review status: criteria provided, multiple submitters, no conflicts (2 of 4 stars). 3 submissions from 3 submitters: Uncertain significance (3). Last evaluated 2025-09-03.

Conditions:
Hereditary pheochromocytoma and paraganglioma. Also called: Hereditary paragangliomas and pheochromocytomas; Hereditary Paraganglioma-Pheochromocytoma Syndromes; Hereditary pheochromocytoma-paraganglioma. Identifiers: Orphanet 29072, MedGen C4274332, MONDO:0017366.
Hereditary cancer-predisposing syndrome. Also called: Tumor predisposition; Hereditary Cancer Syndrome; Hereditary neoplastic syndrome; Neoplastic Syndromes, Hereditary. Identifiers: Orphanet 140162, MedGen C0027672, MeSH D009386, MONDO:0015356.

Allele frequency attached by ClinVar (database versions not stated): TOPMed below 0.00001.

Submissions (3):

Labcorp Genetics (formerly Invitae), Labcorp
Classification: Uncertain significance for Hereditary pheochromocytoma and paraganglioma. Last evaluated: 2025-09-03. Review status: criteria provided, single submitter. Criteria: Invitae Variant Classification Sherloc (09022015). Collection method: clinical testing. Allele origin: germline.
Comment: This sequence change replaces lysine, which is basic and polar, with glutamic acid, which is acidic and polar, at codon 91 of the SDHAF2 protein (p.Lys91Glu). This variant is not present in population databases (gnomAD no frequency). This variant has not been reported in the literature in individuals affected with SDHAF2-related conditions. ClinVar contains an entry for this variant (Variation ID: 1489536). An algorithm developed to predict the effect of missense changes on protein structure and function (PolyPhen-2) suggests that this variant is likely to be disruptive. In summary, the available evidence is currently insufficient to determine the role of this variant in disease. Therefore, it has been classified as a Variant of Uncertain Significance.

Color Diagnostics, LLC DBA Color Health
Classification: Uncertain significance for Hereditary pheochromocytoma and paraganglioma. Last evaluated: 2025-07-07. Review status: criteria provided, single submitter. Criteria: ACMG Guidelines, 2015. Collection method: clinical testing. Allele origin: germline.
Comment: This missense variant replaces lysine with glutamic acid at codon 91 of the SDHAF2 protein. Computational prediction suggests that this variant may not impact protein structure and function. To our knowledge, functional studies have not been reported for this variant. This variant has not been reported in individuals affected with SDHAF2-related disorders in the literature. This variant has not been identified in the general population by the Genome Aggregation Database (gnomAD). The available evidence is insufficient to determine the role of this variant in disease conclusively. Therefore, this variant is classified as a Variant of Uncertain Significance.

Ambry Genetics
Classification: Uncertain significance for Hereditary cancer-predisposing syndrome. Last evaluated: 2025-01-10. Review status: criteria provided, single submitter. Criteria: Ambry Variant Classification Scheme 2023. Collection method: clinical testing. Allele origin: germline.
Comment: The p.K91E variant (also known as c.271A>G), located in coding exon 3 of the SDHAF2 gene, results from an A to G substitution at nucleotide position 271. The lysine at codon 91 is replaced by glutamic acid, an amino acid with similar properties. This amino acid position is conserved. In addition, this alteration is predicted to be deleterious by in silico analysis. Based on the available evidence, the clinical significance of this variant remains unclear.

NM_017841.4(SDHAF2):c.271A>G (p.Lys91Glu)

Gene: SDHAF2 (succinate dehydrogenase complex assembly factor 2; plus strand). Cytogenetic location: 11q12.2.
Variant type: single nucleotide variant.
Coding change: c.271A>G on transcript NM_017841.4 (MANE Select); coding-DNA position 271, A replaced by G.
Protein change: p.Lys91Glu; replaces lysine 91 with glutamic acid.
Molecular consequence: missense variant.
Genome position (GRCh38, 1-based): chr11:61,438,014, A>G. VCF-style: chr11-61438014-A-G. GRCh37 (hg19) VCF-style: chr11-61205486-A-G.
Other names: c.271A>G (NM_017841.2); short protein forms K91E.
Identifiers: ClinVar variation 1489536 (VCV001489536.8), dbSNP rs1358923878, ClinGen allele CA380684029.